The following is an entry in ClinVar:

NM_170784.3(MKKS):c.1462G>A (p.Ala488Thr)

Gene: MKKS (MKKS centrosomal shuttling protein; minus strand). Cytogenetic location: 20p12.2.
Variant type: single nucleotide variant.
Coding change: c.1462G>A on transcript NM_170784.3 (MANE Select); coding-DNA position 1462, G replaced by A.
Protein change: p.Ala488Thr; replaces alanine 488 with threonine.
Molecular consequence: missense variant. On other transcripts: non-coding transcript variant (1).
Genome position (GRCh38, 1-based): chr20:10,405,498, C>T on the plus strand (G>A on the coding strand, the complement: MKKS is on the minus strand). VCF-style: chr20-10405498-C-T. GRCh37 (hg19) VCF-style: chr20-10386146-C-T.
Other names: c.1462G>A, p.Ala488Thr (NM_018848.3); short protein forms A488T.
Identifiers: ClinVar variation 261059 (VCV000261059.19), dbSNP rs61734546, ClinGen allele CA9763469.

ClinVar aggregate classification (germline): Benign/Likely benign. Review status: criteria provided, multiple submitters, no conflicts (2 of 4 stars). 6 submissions from 5 submitters: Benign (1); Likely benign (5). Last evaluated 2026-01-31.

Conditions:
McKusick-Kaufman syndrome (MKKS). Also called: HYDROMETROCOLPOS SYNDROME; HYDROMETROCOLPOS, POSTAXIAL POLYDACTYLY, AND CONGENITAL HEART MALFORMATION. Identifiers: Orphanet 2473, MedGen C0948368, MONDO:0009367, OMIM 236700.
Bardet-Biedl syndrome (BBS). Identifiers: Orphanet 110, MedGen C0752166, MONDO:0015229.
Bardet-Biedl syndrome 6 (BBS6). Identifiers: Orphanet 110, MedGen C1858054, MONDO:0011523, OMIM 605231.

Allele frequency attached by ClinVar (database versions not stated): gnomAD exomes 0.00117 and 0.00280; ExAC 0.00331; 1000 Genomes Project 0.01078; gnomAD 0.01109 and 0.01201; 1000 Genomes Project 30x 0.01187; ESP Exome Variant Server 0.01284; TOPMed 0.01309.
gnomAD v4.1: 3,457 of 1,614,142 alleles (0.21%); highest among the groups gnomAD compares: African/African-American, 4.1%; 63 homozygotes.

Submissions (6):

Labcorp Genetics (formerly Invitae), Labcorp
Classification: Benign for McKusick-Kaufman syndrome; Bardet-Biedl syndrome. Last evaluated: 2026-01-31. Review status: criteria provided, single submitter. Criteria: Invitae Variant Classification Sherloc (09022015). Collection method: clinical testing. Allele origin: germline.

GeneDx
Classification: Likely benign. Last evaluated: 2020-02-14. Review status: criteria provided, single submitter. Criteria: GeneDx Variant Classification Process June 2021. Collection method: clinical testing. Allele origin: germline. Affected: yes.

Illumina Laboratory Services, Illumina
Classification: Likely benign for Bardet-Biedl syndrome 6. Last evaluated: 2017-04-28. Review status: criteria provided, single submitter. Criteria: ICSL Variant Classification Criteria 13 December 2019. Collection method: clinical testing. Allele origin: germline.
Comment: This variant was observed as part of a predisposition screen in an ostensibly healthy population. A literature search was performed for the gene, cDNA change, and amino acid change (where applicable). Publications were found based on this search. The evidence from the literature, in combination with allele frequency data from public databases where available, was sufficient to determine this variant is unlikely to cause disease. Therefore, this variant is classified as likely benign.

Illumina Laboratory Services, Illumina
Classification: Likely benign for McKusick-Kaufman syndrome. Last evaluated: 2017-04-28. Review status: criteria provided, single submitter. Criteria: ICSL Variant Classification Criteria 13 December 2019. Collection method: clinical testing. Allele origin: germline.
Comment: This variant was observed as part of a predisposition screen in an ostensibly healthy population. A literature search was performed for the gene, cDNA change, and amino acid change (where applicable). No publications were found based on this search. Allele frequency data from public databases allowed determination this variant is unlikely to cause disease. Therefore, this variant is classified as likely benign.

Breakthrough Genomics
Classification: Likely benign. Review status: criteria provided, single submitter. Criteria: ACMG Guidelines, 2015. Collection method: not provided. Allele origin: germline. Inheritance: Autosomal recessive inheritance. Affected: yes.

PreventionGenetics, part of Exact Sciences
Classification: Likely benign. Review status: criteria provided, single submitter. Criteria: ACMG Guidelines, 2015. Collection method: clinical testing. Allele origin: germline.

Literature cited by the submitters: PubMed 20472660 (cited by Illumina Laboratory Services, Illumina).